The following is an entry in ClinVar:

ClinVar aggregate classification (germline): Likely benign (0 of 4 stars; one submission).

Conditions:
KARS1-related disorder. Also called: KARS1-related disorders.

Allele frequency attached by ClinVar (database versions not stated): ExAC 0.00121.

Submission:

PreventionGenetics, part of Exact Sciences
Classification: Likely benign for KARS1-related condition. Last evaluated: 2019-07-29. Review status: no assertion criteria provided. Collection method: clinical testing. Allele origin: germline.
Comment: This variant is classified as likely benign based on ACMG/AMP sequence variant interpretation guidelines (Richards et al. 2015 PMID: 25741868, with internal and published modifications).

NM_005548.3(KARS1):c.223-7T>A

Gene: KARS1 (lysyl-tRNA synthetase 1; minus strand). Cytogenetic location: 16q23.1.
Variant type: single nucleotide variant.
Coding change: c.223-7T>A on transcript NM_005548.3 (MANE Select); 7 bases into the intron before coding-DNA position 223, T replaced by A.
Molecular consequence: intron variant.
Genome position (GRCh38, 1-based): chr16:75,640,356, A>T on the plus strand (T>A on the coding strand, the complement: KARS1 is on the minus strand). VCF-style: chr16-75640356-A-T. GRCh37 (hg19) VCF-style: chr16-75674254-A-T.
Other names: c.307-7T>A (NM_001130089.2); c.-246-7T>A (NM_001378148.1).
Identifiers: ClinVar variation 3034706 (VCV003034706.2), dbSNP rs756393399, ClinGen allele CA8177699.